The following is an entry in ClinVar:

ClinVar aggregate classification (germline): Uncertain significance (1 of 4 stars; one submission).

Conditions:
Peutz-Jeghers syndrome (PJS). Also called: POLYPOSIS, HAMARTOMATOUS INTESTINAL; POLYPS-AND-SPOTS SYNDROME; Peutz-Jeghers polyposis; Periorificial lentiginosis syndrome. Identifiers: Orphanet 2869, MedGen C0031269, MeSH D010580, MONDO:0008280, OMIM 175200.

Submission:

Labcorp Genetics (formerly Invitae), Labcorp
Classification: Uncertain significance for Peutz-Jeghers syndrome. Last evaluated: 2020-11-04. Review status: criteria provided, single submitter. Criteria: Invitae Variant Classification Sherloc (09022015). Collection method: clinical testing. Allele origin: unknown.
Comment: In summary, the available evidence is currently insufficient to determine the role of this variant in disease. Therefore, it has been classified as a Variant of Uncertain Significance. Nucleotide substitutions within the consensus splice site are a relatively common cause of aberrant splicing (PMID: 17576681, 9536098). Experimental studies and prediction algorithms are not available or were not evaluated, and the functional significance of this variant is currently unknown. This variant has not been reported in the literature in individuals with STK11-related conditions. This variant results in the deletion of part of exon 8 (c.1094_1108+1230del) of the STK11 gene. While this variant is not anticipated to result in nonsense mediated decay, it likely alters RNA splicing and results in a disrupted protein product.

Literature cited by the submitters: PubMed 17576681; PubMed 9536098.

NC_000019.9:g.(?_1223158)_(1224401_?)del

Gene: STK11 (serine/threonine kinase 11; plus strand). Cytogenetic location: 19p13.3.
Variant type: Deletion.
Identifiers: ClinVar variation 3248420 (VCV003248420.1).